The following is an entry in ClinVar:

ClinVar aggregate classification (germline): Uncertain significance (1 of 4 stars; one submission).

Allele frequency attached by ClinVar (database versions not stated): gnomAD 0.00005; gnomAD exomes 0.00006; ExAC 0.00019; 1000 Genomes Project 30x 0.00047; 1000 Genomes Project 0.00060.
gnomAD v4.1: 99 of 1,613,464 alleles (0.0061%); highest among the groups gnomAD compares: South Asian, 0.1%; 1 homozygote.

Submission:

Labcorp Genetics (formerly Invitae), Labcorp
Classification: Uncertain significance. Last evaluated: 2022-02-20. Review status: criteria provided, single submitter. Criteria: Invitae Variant Classification Sherloc (09022015). Collection method: clinical testing. Allele origin: germline.
Comment: This sequence change replaces valine, which is neutral and non-polar, with isoleucine, which is neutral and non-polar, at codon 3433 of the FAT1 protein (p.Val3433Ile). This variant is present in population databases (rs557506058, gnomAD 0.1%). This variant has not been reported in the literature in individuals affected with FAT1-related conditions. Algorithms developed to predict the effect of missense changes on protein structure and function output the following: SIFT: "Deleterious"; PolyPhen-2: "Benign"; Align-GVGD: "Class C25". The isoleucine amino acid residue is found in multiple mammalian species, which suggests that this missense change does not adversely affect protein function. In summary, the available evidence is currently insufficient to determine the role of this variant in disease. Therefore, it has been classified as a Variant of Uncertain Significance.

NM_005245.4(FAT1):c.10297G>A (p.Val3433Ile)

Gene: FAT1 (FAT atypical cadherin 1; minus strand). Cytogenetic location: 4q35.2.
Variant type: single nucleotide variant.
Coding change: c.10297G>A on transcript NM_005245.4 (MANE Select); coding-DNA position 10297, G replaced by A.
Protein change: p.Val3433Ile; replaces valine 3433 with isoleucine.
Molecular consequence: missense variant.
Genome position (GRCh38, 1-based): chr4:186,606,123, C>T on the plus strand (G>A on the coding strand, the complement: FAT1 is on the minus strand). VCF-style: chr4-186606123-C-T. GRCh37 (hg19) VCF-style: chr4-187527277-C-T.
Other names: short protein forms V3433I.
Identifiers: ClinVar variation 1905431 (VCV001905431.5), dbSNP rs557506058, ClinGen allele CA3165404.